The following is an entry in ClinVar:

NM_005502.4(ABCA1):c.2833A>G (p.Ile945Val)

Gene: ABCA1 (ATP binding cassette subfamily A member 1; minus strand). Cytogenetic location: 9q31.1.
Variant type: single nucleotide variant.
Coding change: c.2833A>G on transcript NM_005502.4 (MANE Select); coding-DNA position 2833, A replaced by G.
Protein change: p.Ile945Val; replaces isoleucine 945 with valine.
Molecular consequence: missense variant.
Genome position (GRCh38, 1-based): chr9:104,821,502, T>C on the plus strand (A>G on the coding strand, the complement: ABCA1 is on the minus strand). VCF-style: chr9-104821502-T-C. GRCh37 (hg19) VCF-style: chr9-107583783-T-C.
Other names: short protein forms I945V.
Identifiers: ClinVar variation 3224740 (VCV003224740.1), dbSNP rs1564130744, ClinGen allele CA374320072.

ClinVar aggregate classification (germline): Uncertain significance (1 of 4 stars; one submission).

Conditions:
Cardiovascular phenotype. Identifiers: MedGen CN230736.

gnomAD v4.1: 11 of 1,613,842 alleles (0.00068%); highest among the groups gnomAD compares: East Asian, 0.0022%; no homozygotes.

Submission:

Ambry Genetics
Classification: Uncertain significance for Cardiovascular phenotype. Last evaluated: 2024-03-06. Review status: criteria provided, single submitter. Criteria: Ambry Variant Classification Scheme 2023. Collection method: clinical testing. Allele origin: germline.
Comment: The p.I945V variant (also known as c.2833A>G), located in coding exon 19 of the ABCA1 gene, results from an A to G substitution at nucleotide position 2833. The isoleucine at codon 945 is replaced by valine, an amino acid with highly similar properties. This amino acid position is conserved. In addition, the in silico prediction for this alteration is inconclusive. Based on the available evidence, the clinical significance of this alteration remains unclear.